The following is an entry in ClinVar:

NM_001127222.2(CACNA1A):c.2840C>G (p.Pro947Arg)

Gene: CACNA1A (calcium voltage-gated channel subunit alpha1 A; minus strand). Cytogenetic location: 19p13.13.
Variant type: single nucleotide variant.
Coding change: c.2840C>G on transcript NM_001127222.2 (MANE Select); coding-DNA position 2840, C replaced by G.
Protein change: p.Pro947Arg; replaces proline 947 with arginine.
Molecular consequence: missense variant.
Genome position (GRCh38, 1-based): chr19:13,298,793, G>C on the plus strand (C>G on the coding strand, the complement: CACNA1A is on the minus strand). VCF-style: chr19-13298793-G-C. GRCh37 (hg19) VCF-style: chr19-13409607-G-C.
Other names: c.2852C>G, p.Pro951Arg (NM_000068.4, NM_023035.3); c.2843C>G, p.Pro948Arg (NM_001127221.2, NM_001174080.2); short protein forms P947R, P948R, P951R.
Identifiers: ClinVar variation 2926564 (VCV002926564.4), dbSNP rs756038056, ClinGen allele CA404342610.

ClinVar aggregate classification (germline): Uncertain significance. Review status: criteria provided, multiple submitters, no conflicts (2 of 4 stars). 2 submissions from 2 submitters: Uncertain significance (2). Last evaluated 2025-01-28.

Conditions:
Developmental and epileptic encephalopathy, 42 (DEE42A). Also called: DEVELOPMENTAL AND EPILEPTIC ENCEPHALOPATHY 42A; EPILEPTIC ENCEPHALOPATHY, EARLY INFANTILE, 42A; Epileptic encephalopathy, early infantile, 42. Identifiers: MedGen C4310716, MONDO:0014917, OMIM 617106.
Episodic ataxia type 2 (EA2). Also called: ACETAZOLAMIDE-RESPONSIVE HEREDITARY PAROXYSMAL CEREBELLAR ATAXIA; ATAXIA, EPISODIC, WITH NYSTAGMUS; ATAXIA, FAMILIAL PAROXYSMAL; CEREBELLAR ATAXIA, PAROXYSMAL, ACETAZOLAMIDE-RESPONSIVE; CEREBELLOPATHY, HEREDITARY PAROXYSMAL; EPISODIC ATAXIA, NYSTAGMUS-ASSOCIATED. Identifiers: Orphanet 97, MedGen C1720416, MONDO:0007163, OMIM 108500.

Allele frequency attached by ClinVar (database versions not stated): TOPMed below 0.00001; gnomAD 0.00001.
gnomAD v4.1: 2 of 1,545,428 alleles (0.00013%); highest among the groups gnomAD compares: African/African-American, 0.0014%; no homozygotes.

Submissions (2):

GeneDx
Classification: Uncertain significance. Last evaluated: 2025-01-28. Review status: criteria provided, single submitter. Criteria: GeneDx Variant Classification Process June 2021. Collection method: clinical testing. Allele origin: germline. Affected: yes.
Comment: Not observed at significant frequency in large population cohorts (gnomAD); In silico analysis supports that this missense variant has a deleterious effect on protein structure/function; Has not been previously published as pathogenic or benign to our knowledge

Labcorp Genetics (formerly Invitae), Labcorp
Classification: Uncertain significance for Developmental and epileptic encephalopathy, 42; Episodic ataxia type 2. Last evaluated: 2023-03-26. Review status: criteria provided, single submitter. Criteria: Invitae Variant Classification Sherloc (09022015). Collection method: clinical testing. Allele origin: germline.
Comment: In summary, the available evidence is currently insufficient to determine the role of this variant in disease. Therefore, it has been classified as a Variant of Uncertain Significance. This sequence change replaces proline, which is neutral and non-polar, with arginine, which is basic and polar, at codon 948 of the CACNA1A protein (p.Pro948Arg). This variant is not present in population databases (gnomAD no frequency). This variant has not been reported in the literature in individuals affected with CACNA1A-related conditions. Advanced modeling of protein sequence and biophysical properties (such as structural, functional, and spatial information, amino acid conservation, physicochemical variation, residue mobility, and thermodynamic stability) performed at Invitae indicates that this missense variant is not expected to disrupt CACNA1A protein function.